The following is an entry in ClinVar:

ClinVar aggregate classification (germline): Likely benign (1 of 4 stars; one submission).

Allele frequency attached by ClinVar (database versions not stated): ExAC 0.00002; ESP Exome Variant Server 0.00008; TOPMed 0.00009; gnomAD 0.00012; gnomAD exomes 0.00016.
gnomAD v4.1: 269 of 1,614,076 alleles (0.017%); highest among the groups gnomAD compares: Non-Finnish European, 0.021%; no homozygotes.

Submission:

CeGaT Center for Human Genetics Tuebingen
Classification: Likely benign. Last evaluated: 2022-08-01. Review status: criteria provided, single submitter. Criteria: CeGaT Center For Human Genetics Tuebingen Variant Classification Criteria Version 2. Collection method: clinical testing. Allele origin: germline. Affected: yes. Observed: 1 variant allele.
Comment: ITGAE: BP4, BP7

NM_002208.5(ITGAE):c.2565C>T (p.Asn855=)

Gene: ITGAE (integrin subunit alpha E; minus strand). Cytogenetic location: 17p13.2.
Variant type: single nucleotide variant.
Coding change: c.2565C>T on transcript NM_002208.5 (MANE Select); coding-DNA position 2565, C replaced by T.
Protein change: p.Asn855=; no amino-acid change (asparagine 855 retained).
Molecular consequence: synonymous variant.
Genome position (GRCh38, 1-based): chr17:3,734,907, G>A on the plus strand (C>T on the coding strand, the complement: ITGAE is on the minus strand). VCF-style: chr17-3734907-G-A. GRCh37 (hg19) VCF-style: chr17-3638201-G-A.
Identifiers: ClinVar variation 2647238 (VCV002647238.24), dbSNP rs370747105, ClinGen allele CA8293893.